The following is an entry in ClinVar:

ClinVar aggregate classification (germline): Uncertain significance. Review status: criteria provided, multiple submitters, no conflicts (2 of 4 stars). 2 submissions from 2 submitters: Uncertain significance (2). Last evaluated 2025-03-17.

Allele frequency attached by ClinVar (database versions not stated): TOPMed below 0.00001; gnomAD exomes 0.00001 and 0.00002; ExAC 0.00002.
gnomAD v4.1: 5 of 1,613,136 alleles (0.00031%); highest among the groups gnomAD compares: Admixed American, 0.0083%; no homozygotes.

Submissions (2):

Labcorp Genetics (formerly Invitae), Labcorp
Classification: Uncertain significance. Last evaluated: 2025-03-17. Review status: criteria provided, single submitter. Criteria: Invitae Variant Classification Sherloc (09022015). Collection method: clinical testing. Allele origin: germline.
Comment: This sequence change replaces aspartic acid, which is acidic and polar, with valine, which is neutral and non-polar, at codon 422 of the RECQL protein (p.Asp422Val). This variant is present in population databases (rs746304101, gnomAD 0.01%). This variant has not been reported in the literature in individuals affected with RECQL-related conditions. ClinVar contains an entry for this variant (Variation ID: 1416316). Invitae Evidence Modeling of protein sequence and biophysical properties (such as structural, functional, and spatial information, amino acid conservation, physicochemical variation, residue mobility, and thermodynamic stability) indicates that this missense variant is expected to disrupt RECQL protein function with a positive predictive value of 80%. In summary, the available evidence is currently insufficient to determine the role of this variant in disease. Therefore, it has been classified as a Variant of Uncertain Significance.

Ambry Genetics
Classification: Uncertain significance. Last evaluated: 2023-05-23. Review status: criteria provided, single submitter. Criteria: Ambry Variant Classification Scheme 2023. Collection method: clinical testing. Allele origin: germline.
Comment: The p.D422V variant (also known as c.1265A>T), located in coding exon 10 of the RECQL gene, results from an A to T substitution at nucleotide position 1265. The aspartic acid at codon 422 is replaced by valine, an amino acid with highly dissimilar properties. This amino acid position is highly conserved in available vertebrate species. In addition, this alteration is predicted to be deleterious by in silico analysis. The evidence for this gene-disease relationship is limited; therefore, the clinical significance of this alteration is unclear.

NM_002907.4(RECQL):c.1265A>T (p.Asp422Val)

Gene: RECQL (RecQ like helicase; minus strand). Cytogenetic location: 12p12.1.
Variant type: single nucleotide variant.
Coding change: c.1265A>T on transcript NM_002907.4 (MANE Select); coding-DNA position 1265, A replaced by T.
Protein change: p.Asp422Val; replaces aspartic acid 422 with valine.
Molecular consequence: missense variant.
Genome position (GRCh38, 1-based): chr12:21,474,931, T>A on the plus strand (A>T on the coding strand, the complement: RECQL is on the minus strand). VCF-style: chr12-21474931-T-A. GRCh37 (hg19) VCF-style: chr12-21627865-T-A.
Other names: c.1265A>T, p.Asp422Val (NM_032941.3); short protein forms D422V.
Identifiers: ClinVar variation 1416316 (VCV001416316.10), dbSNP rs746304101, ClinGen allele CA6478806.
Genomic context (GRCh38, chr12:21,474,931, plus strand): 5'-TCATAAAGCTTCTGCTGTCCCACATTTTCCATCACCACCATTGAACTTATTCTGAATATA[T>A]CTCCAAAGCCGTAGTACAAAATACAGTCTGCTTTCATGTCATCTCGACCTGTGGTGTGAG-3'
Protein context (NP_002898.2, residues 412-432): ADCILYYGFG[Asp422Val]IFRISSMVVM